The following is an entry in ClinVar:

NM_007186.6(CEP250):c.1636C>T (p.Arg546Trp)

Genes: CEP250 (centrosomal protein 250; plus strand), CEP250-AS1 (CEP250 antisense RNA 1; minus strand). Cytogenetic location: 20q11.22.
Variant type: single nucleotide variant.
Coding change: c.1636C>T on transcript NM_007186.6 (MANE Select); coding-DNA position 1636, C replaced by T.
Protein change: p.Arg546Trp; replaces arginine 546 with tryptophan.
Molecular consequence: missense variant. On other transcripts: 5 prime UTR variant (1).
Genome position (GRCh38, 1-based): chr20:35,475,566, C>T. VCF-style: chr20-35475566-C-T. GRCh37 (hg19) VCF-style: chr20-34063391-C-T.
Other names: c.-264C>T (NM_001318219.1); short protein forms R546W.
Identifiers: ClinVar variation 1520735 (VCV001520735.7), dbSNP rs2063148034, ClinGen allele CA408764512.

ClinVar aggregate classification (germline): Uncertain significance (1 of 4 stars; one submission).

Allele frequency attached by ClinVar (database versions not stated): gnomAD exomes below 0.00001; TOPMed 0.00001.
gnomAD v4.1: 5 of 1,614,136 alleles (0.00031%); highest among the groups gnomAD compares: African/African-American, 0.0013%; no homozygotes.

Submission:

Labcorp Genetics (formerly Invitae), Labcorp
Classification: Uncertain significance. Last evaluated: 2024-07-15. Review status: criteria provided, single submitter. Criteria: Invitae Variant Classification Sherloc (09022015). Collection method: clinical testing. Allele origin: germline.
Comment: This sequence change replaces arginine, which is basic and polar, with tryptophan, which is neutral and slightly polar, at codon 546 of the CEP250 protein (p.Arg546Trp). This variant is not present in population databases (gnomAD no frequency). This variant has not been reported in the literature in individuals affected with CEP250-related conditions. ClinVar contains an entry for this variant (Variation ID: 1520735). An algorithm developed to predict the effect of missense changes on protein structure and function (PolyPhen-2) suggests that this variant is likely to be disruptive. In summary, the available evidence is currently insufficient to determine the role of this variant in disease. Therefore, it has been classified as a Variant of Uncertain Significance.